The following is an entry in ClinVar:

NM_005215.4(DCC):c.2316_2317delinsAA (p.Arg773Ser)

Gene: DCC (DCC netrin 1 receptor; plus strand). Cytogenetic location: 18q21.2.
Variant type: Indel.
Coding change: c.2316_2317delinsAA on transcript NM_005215.4 (MANE Select); coding-DNA positions 2316 to 2317, GC replaced by AA.
Protein change: p.Arg773Ser; replaces arginine 773 with serine.
Molecular consequence: missense variant.
Genome position (GRCh38, 1-based): chr18:53,339,864-53,339,865, GC replaced by AA. VCF-style: chr18-53339864-GC-AA. GRCh37 (hg19) VCF-style: chr18-50866234-GC-AA.
Other names: short protein forms R773S.
Identifiers: ClinVar variation 1029949 (VCV001029949.1), dbSNP rs2057635830, ClinGen allele CA2304105385.

ClinVar aggregate classification (germline): Uncertain significance (1 of 4 stars; one submission).

Conditions:
Mirror movements 1 (MRMV1). Identifiers: Orphanet 238722, MedGen C1834870, OMIM 157600, MONDO:0008002.

Submission:

Baylor Genetics
Classification: Uncertain significance for Mirror movements 1. Last evaluated: 2019-03-04. Review status: criteria provided, single submitter. Criteria: ACMG Guidelines, 2015. Collection method: clinical testing. Allele origin: paternal. Affected: yes.
Comment: This variant was determined to be of uncertain significance according to ACMG Guidelines, 2015 [PMID:25741868].